The following is an entry in ClinVar:

ClinVar aggregate classification (germline): Conflicting classifications of pathogenicity. Review status: criteria provided, conflicting classifications (1 of 4 stars). 9 submissions from 9 submitters: Uncertain significance (8); Benign (1). Last evaluated 2026-01-19.

Conditions:
Lynch syndrome. Identifiers: Orphanet 144, MedGen C4552100, MONDO:0005835. Disease mechanism: loss of function.
Endometrial carcinoma. Also called: Endometrial carcinoma, somatic. Identifiers: MedGen C0476089, MONDO:0002447, OMIM 608089, HP:0012114.
Hereditary cancer-predisposing syndrome. Also called: Hereditary neoplastic syndrome; Tumor predisposition; Hereditary Cancer Syndrome; Neoplastic Syndromes, Hereditary. Identifiers: Orphanet 140162, MedGen C0027672, MeSH D009386, MONDO:0015356.
Hereditary nonpolyposis colorectal neoplasms. Identifiers: MedGen C0009405, MeSH D003123.
Hereditary breast ovarian cancer syndrome. Also called: Hereditary breast and ovarian cancer; Breast and ovarian cancer; Hereditary breast and ovarian cancer syndrome (HBOC); Hereditary breast and/or ovarian cancer syndrome; Hereditary breast and ovarian cancer syndrome; BRCA1- and BRCA2-Associated Hereditary Breast and Ovarian Cancer. Identifiers: Orphanet 145, MedGen C0677776, MeSH D061325, MONDO:0003582. Disease mechanism: loss of function.

Allele frequency attached by ClinVar (database versions not stated): ExAC 0.00001; gnomAD exomes below 0.00001; gnomAD 0.00001; TOPMed 0.00001.

Submissions (9):

Labcorp Genetics (formerly Invitae), Labcorp
Classification: Benign for Hereditary nonpolyposis colorectal neoplasms. Last evaluated: 2026-01-19. Review status: criteria provided, single submitter. Criteria: Invitae Variant Classification Sherloc (09022015). Collection method: clinical testing. Allele origin: germline.

Dasa
Classification: Uncertain significance. Last evaluated: 2025-06-25. Review status: criteria provided, single submitter. Criteria: DASA Assertion Criteria. Collection method: clinical testing. Allele origin: germline.
Comment: NM_000179.3(MSH6):c.1660C>T (p.Arg554Cys) is a missense variant that results in the substitution of arginine with cysteine. This variant is rare in population databases. Computational prediction algorithms are consistent with a benign effect. The currently available literature and clinical evidence are not sufficient to establish a definitive association between this variant and the reported condition. Therefore, this variant is classified as a variant of uncertain significance.

Ambry Genetics
Classification: Uncertain significance for Hereditary cancer-predisposing syndrome. Last evaluated: 2025-01-14. Review status: criteria provided, single submitter. Criteria: Ambry Variant Classification Scheme 2023. Collection method: clinical testing. Allele origin: germline.
Comment: The p.R554C variant (also known as c.1660C>T), located in coding exon 4 of the MSH6 gene, results from a C to T substitution at nucleotide position 1660. The arginine at codon 554 is replaced by cysteine, an amino acid with highly dissimilar properties. This amino acid position is well conserved in available vertebrate species. In addition, the in silico prediction for this alteration is inconclusive. Based on the available evidence, the clinical significance of this variant remains unclear.

Revvity Omics, Revvity
Classification: Uncertain significance. Last evaluated: 2024-06-25. Review status: criteria provided, single submitter. Criteria: ACMG Guidelines, 2015. Collection method: clinical testing. Allele origin: germline.

Baylor Genetics
Classification: Uncertain significance for Endometrial carcinoma. Last evaluated: 2024-03-17. Review status: criteria provided, single submitter. Criteria: ACMG Guidelines, 2015. Collection method: clinical testing. Allele origin: unknown.

All of Us Research Program, National Institutes of Health
Classification: Uncertain significance for Lynch syndrome. Last evaluated: 2024-03-05. Review status: criteria provided, single submitter. Criteria: ACMG Guidelines, 2015. Collection method: clinical testing. Allele origin: germline. Inheritance: Autosomal dominant inheritance. Observed: 1 variant allele, 1 heterozygote.
Comment: This missense variant replaces arginine with cysteine at codon 554 of the MSH6 protein. Computational prediction tool is inconclusive regarding the impact of this variant on protein structure and function (internally defined REVEL score threshold 0.5 < inconclusive < 0.7, PMID: 27666373). Splice site prediction tools suggest that this variant may not impact RNA splicing. To our knowledge, functional studies have not been performed for this variant. This variant has not been reported in individuals affected with hereditary cancer in the literature. This variant has been identified in 1/250832 chromosomes in the general population by the Genome Aggregation Database (gnomAD). The available evidence is insufficient to determine the role of this variant in disease conclusively. Therefore, this variant is classified as a Variant of Uncertain Significance.

This study involves interpretation of variants in research participants for the purpose of population health screening. Participant phenotype was not available at the time of variant classification. Additional details can be found in publication PMID: 35346344, PMCID: PMC8962531

Color Diagnostics, LLC DBA Color Health
Classification: Uncertain significance for Hereditary cancer-predisposing syndrome. Last evaluated: 2024-02-26. Review status: criteria provided, single submitter. Criteria: ACMG Guidelines, 2015. Collection method: clinical testing. Allele origin: germline.
Comment: This missense variant replaces arginine with cysteine at codon 554 of the MSH6 protein. Computational prediction is inconclusive regarding the impact of this variant on protein structure and function (internally defined REVEL score threshold 0.5 < inconclusive < 0.7, PMID: 27666373). To our knowledge, functional studies have not been reported for this variant. This variant has been reported in an individual affected with pancreatic cancer (PMID: 34034685). This variant has been identified in 1/250832 chromosomes in the general population by the Genome Aggregation Database (gnomAD). The available evidence is insufficient to determine the role of this variant in disease conclusively. Therefore, this variant is classified as a Variant of Uncertain Significance.

GeneDx
Classification: Uncertain significance. Last evaluated: 2023-10-27. Review status: criteria provided, single submitter. Criteria: GeneDx Variant Classification Process June 2021. Collection method: clinical testing. Allele origin: germline. Affected: yes.
Comment: Not observed at significant frequency in large population cohorts (gnomAD); In silico analysis supports that this missense variant does not alter protein structure/function; Reported as a putative germline variant in an individual with acute lymphoblastic leukemia (PMID: 31102422); This variant is associated with the following publications: (PMID: 31102422, 32566746, 36243179, 17531815, 21120944)

Cancer Genomics Group, Japanese Foundation For Cancer Research
Classification: Uncertain significance for Hereditary breast and ovarian cancer syndrome. Last evaluated: 2019-05-01. Review status: criteria provided, single submitter. Criteria: ACMG Guidelines, 2015. Collection method: research. Allele origin: germline. Affected: yes.

Literature cited by the submitters: PubMed 34034685 (cited by Color Diagnostics, LLC DBA Color Health).

NM_000179.3(MSH6):c.1660C>T (p.Arg554Cys)

Gene: MSH6 (mutS homolog 6; plus strand). Cytogenetic location: 2p16.3.
Variant type: single nucleotide variant.
Coding change: c.1660C>T on transcript NM_000179.3 (MANE Select); coding-DNA position 1660, C replaced by T.
Protein change: p.Arg554Cys; replaces arginine 554 with cysteine.
Molecular consequence: missense variant.
Genome position (GRCh38, 1-based): chr2:47,799,643, C>T. VCF-style: chr2-47799643-C-T. GRCh37 (hg19) VCF-style: chr2-48026782-C-T.
Other names: c.1270C>T, p.Arg424Cys (NM_001281492.2); c.754C>T, p.Arg252Cys (NM_001281493.2, NM_001281494.2); short protein forms R554C, R252C, R424C.
Identifiers: ClinVar variation 410498 (VCV000410498.26), dbSNP rs775716798, ClinGen allele CA067976.